The following is an entry in ClinVar:

ClinVar aggregate classification (germline): Likely benign (1 of 4 stars; one submission).

gnomAD v4.1: 1 of 1,547,842 alleles (0.000065%); highest among the groups gnomAD compares: Non-Finnish European, 0.000087%; no homozygotes.

Submission:

Laboratory for Molecular Medicine, Mass General Brigham Personalized Medicine
Classification: Likely benign. Last evaluated: 2014-07-16. Review status: criteria provided, single submitter. Criteria: LMM Criteria. Collection method: clinical testing. Allele origin: germline. Observed: 1 variant allele.
Comment: 1134+11C>T in intron 8 of LOXHD1: This variant is not expected to have clinical significance because it is not located within the splice consensus sequence.

NM_001384474.1(LOXHD1):c.1134+11C>T

Gene: LOXHD1 (lipoxygenase homology PLAT domains 1; minus strand). Cytogenetic location: 18q21.1.
Variant type: single nucleotide variant.
Coding change: c.1134+11C>T on transcript NM_001384474.1 (MANE Select); 11 bases into the intron after coding-DNA position 1134, C replaced by T.
Molecular consequence: intron variant.
Genome position (GRCh38, 1-based): chr18:46,601,206, G>A on the plus strand (C>T on the coding strand, the complement: LOXHD1 is on the minus strand). VCF-style: chr18-46601206-G-A. GRCh37 (hg19) VCF-style: chr18-44181169-G-A.
Other names: c.1134+11C>T (NM_144612.7).
Identifiers: ClinVar variation 163934 (VCV000163934.4), dbSNP rs727503149, ClinGen allele CA176659.
Genomic context (GRCh38, chr18:46,601,206, plus strand): 5'-AAGTTTGTACTTGCAAGTTAAAGAGGAGAGGGGTTGAATCAGGGAAGGCTGTCTCTGGGG[G>A]CATCCCTTACCTTCTCACAGAACCAGCCTCTGTTGACACCCACATTGCCATGCCCGACGG-3'